The following is an entry in ClinVar:

NM_004393.6(DAG1):c.2482C>A (p.Pro828Thr)

Gene: DAG1 (dystroglycan 1; plus strand). Cytogenetic location: 3p21.31.
Variant type: single nucleotide variant.
Coding change: c.2482C>A on transcript NM_004393.6 (MANE Select); coding-DNA position 2482, C replaced by A.
Protein change: p.Pro828Thr; replaces proline 828 with threonine.
Molecular consequence: missense variant.
Genome position (GRCh38, 1-based): chr3:49,532,993, C>A. VCF-style: chr3-49532993-C-A. GRCh37 (hg19) VCF-style: chr3-49570426-C-A.
Other names: c.2482C>A, p.Pro828Thr (NM_001165928.4, NM_001177634.3, NM_001177635.3 and 9 more transcripts); short protein forms P828T.
Identifiers: ClinVar variation 1398586 (VCV001398586.8), dbSNP rs755251035, ClinGen allele CA352798189.
Genomic context (GRCh38, chr3:49,532,993, plus strand): 5'-AAGCCCCCACCCTCCTCCAGCATGCCACTCATTCTGCAGGAGGAGAAGGCTCCCCTACCC[C>A]CTCCTGAGTACCCCAACCAGAGTGTGCCCGAGACCACTCCTCTGAACCAGGACACCATGG-3'
Protein context (NP_004384.5, residues 818-838): ILQEEKAPLP[Pro828Thr]PEYPNQSVPE

ClinVar aggregate classification (germline): Uncertain significance. Review status: criteria provided, multiple submitters, no conflicts (2 of 4 stars). 2 submissions from 2 submitters: Uncertain significance (2). Last evaluated 2021-12-30.

Conditions:
Muscular dystrophy-dystroglycanopathy (congenital with brain and eye anomalies), type A9. Also called: Muscular dystrophy-dystroglycanopathy (congenital with brain and eye anomalies), type a, 9; WALKER-WARBURG SYNDROME OR MUSCLE-EYE BRAIN DISEASE, DAG1-RELATED. Identifiers: Orphanet 370997, Orphanet 899, MedGen C4225291, MONDO:0014683, OMIM 616538.
Autosomal recessive limb-girdle muscular dystrophy type 2P. Also called: MUSCULAR DYSTROPHY, LIMB-GIRDLE, TYPE 2P; Limb-Girdle Muscular Dystrophy Type 9C; MUSCULAR DYSTROPHY-DYSTROGLYCANOPATHY, LIMB-GIRDLE, DAG1-RELATED. Identifiers: Orphanet 280333, MedGen C4511963, MONDO:0013440, OMIM 613818.

Submissions (2):

Labcorp Genetics (formerly Invitae), Labcorp
Classification: Uncertain significance for Autosomal recessive limb-girdle muscular dystrophy type 2P; Muscular dystrophy-dystroglycanopathy (congenital with brain and eye anomalies), type A9. Last evaluated: 2021-12-30. Review status: criteria provided, single submitter. Criteria: Invitae Variant Classification Sherloc (09022015). Collection method: clinical testing. Allele origin: germline.
Comment: Algorithms developed to predict the effect of missense changes on protein structure and function are either unavailable or do not agree on the potential impact of this missense change (SIFT: "Deleterious"; PolyPhen-2: "Probably Damaging"; Align-GVGD: "Class C0"). This variant has not been reported in the literature in individuals affected with DAG1-related conditions. The frequency data for this variant in the population databases is considered unreliable, as metrics indicate poor data quality at this position in the gnomAD database. This sequence change replaces proline, which is neutral and non-polar, with threonine, which is neutral and polar, at codon 828 of the DAG1 protein (p.Pro828Thr). In summary, the available evidence is currently insufficient to determine the role of this variant in disease. Therefore, it has been classified as a Variant of Uncertain Significance.

Revvity Omics, Revvity
Classification: Uncertain significance. Last evaluated: 2021-11-30. Review status: criteria provided, single submitter. Criteria: ACMG Guidelines, 2015. Collection method: clinical testing. Allele origin: germline.